The following is an entry in ClinVar:

ClinVar aggregate classification (germline): Conflicting classifications of pathogenicity. Review status: criteria provided, conflicting classifications (1 of 4 stars). 3 submissions from 3 submitters: Uncertain significance (1); Benign (1). 1 of the submissions does not count toward it. Last evaluated 2026-01-19.

Conditions:
Chuvash polycythemia. Also called: POLYCYTHEMIA, VHL-DEPENDENT. Identifiers: Orphanet 238557, MedGen C1837915, MONDO:0009892, OMIM 263400.
Von Hippel-Lindau syndrome (VHLS). Also called: Von Hippel-Lindau; von Hippel–Lindau syndrome; VHL syndrome. Identifiers: Orphanet 892, MedGen C0019562, MONDO:0008667, OMIM 193300. Disease mechanism: loss of function.
VHL-related disorder. Also called: VHL-related condition.

gnomAD v4.1: 6 of 1,535,064 alleles (0.00039%); highest among the groups gnomAD compares: African/African-American, 0.0028%; no homozygotes.

Submissions (3):

Labcorp Genetics (formerly Invitae), Labcorp
Classification: Uncertain significance for Von Hippel-Lindau syndrome; Chuvash polycythemia. Last evaluated: 2026-01-19. Review status: criteria provided, single submitter. Criteria: Invitae Variant Classification Sherloc (09022015). Collection method: clinical testing. Allele origin: germline.
Comment: This variant occurs in a non-coding region of the VHL gene. It does not change the encoded amino acid sequence of the VHL protein. This variant is present in population databases (no rsID available, gnomAD 0.005%). This variant has not been reported in the literature in individuals affected with VHL-related conditions. ClinVar contains an entry for this variant (Variation ID: 1290627). In summary, the available evidence is currently insufficient to determine the role of this variant in disease. Therefore, it has been classified as a Variant of Uncertain Significance.

GeneDx
Classification: Benign. Last evaluated: 2015-07-13. Review status: criteria provided, single submitter. Criteria: GeneDx Variant Classification Process June 2021. Collection method: clinical testing. Allele origin: germline. Affected: yes.

PreventionGenetics, part of Exact Sciences
Classification: Likely benign for VHL-related condition. Last evaluated: 2023-02-21. Review status: no assertion criteria provided. Collection method: clinical testing. Allele origin: germline. Not counted in ClinVar's aggregate classification.
Comment: This variant is classified as likely benign based on ACMG/AMP sequence variant interpretation guidelines (Richards et al. 2015 PMID: 25741868, with internal and published modifications).

NM_000551.4(VHL):c.-45C>A

Gene: VHL (von Hippel-Lindau tumor suppressor; plus strand). Cytogenetic location: 3p25.3.
Variant type: single nucleotide variant.
Coding change: c.-45C>A on transcript NM_000551.4 (MANE Select); 45 bases upstream of the start codon, C replaced by A.
Molecular consequence: 5 prime UTR variant.
Genome position (GRCh38, 1-based): chr3:10,141,803, C>A. VCF-style: chr3-10141803-C-A. GRCh37 (hg19) VCF-style: chr3-10183487-C-A.
Other names: c.-45C>A (NM_001354723.2, NM_198156.3, NM_000551.3).
Identifiers: ClinVar variation 1290627 (VCV001290627.7), dbSNP rs372483939, ClinGen allele CA70041986.